The following is an entry in ClinVar:

NM_000089.4(COL1A2):c.1071C>T (p.Ser357=)

Gene: COL1A2 (collagen type I alpha 2 chain; plus strand). Cytogenetic location: 7q21.3.
Variant type: single nucleotide variant.
Coding change: c.1071C>T on transcript NM_000089.4 (MANE Select); coding-DNA position 1071, C replaced by T.
Protein change: p.Ser357=; no amino-acid change (serine 357 retained).
Molecular consequence: synonymous variant.
Genome position (GRCh38, 1-based): chr7:94,410,277, C>T. VCF-style: chr7-94410277-C-T. GRCh37 (hg19) VCF-style: chr7-94039589-C-T.
Other names: p.Ser357=.
Identifiers: ClinVar variation 720531 (VCV000720531.13), dbSNP rs752193830, ClinGen allele CA4346927.
Genomic context (GRCh38, chr7:94,410,277, plus strand): 5'-ACCACTGTTCTGTATTGAACCCTAGGGTGAGCCTGGTCCAGCTGGCTCCAAAGGAGAGAG[C>T]GGTAACAAGGGTGAGCCCGTAAGTAGCTCTATCATCACACTTTTATAAAGTTAATTGTTT-3'
Protein context (NP_000080.2, residues 347-367): EPGPAGSKGE[Ser357=]GNKGEPGSAG

ClinVar aggregate classification (germline): Likely benign. Review status: criteria provided, multiple submitters, no conflicts (2 of 4 stars). 4 submissions from 4 submitters: Likely benign (4). Last evaluated 2026-03-18.

Conditions:
Osteogenesis imperfecta type I (OI1). Also called: OI, TYPE I; OSTEOGENESIS IMPERFECTA TARDA; OSTEOGENESIS IMPERFECTA WITH BLUE SCLERAE; Osteogenesis imperfecta type 1; Classic Non-deforming Osteogenesis Imperfecta with Blue Sclerae; Lobstein's Disease. Identifiers: Orphanet 216796, Orphanet 666, MedGen C0023931, MONDO:0008146, OMIM 166200. Disease mechanism: loss of function.
Ehlers-Danlos syndrome, classic type, 1 (EDSCL1). Also called: EDS I; EHLERS-DANLOS SYNDROME, GRAVIS TYPE; EHLERS-DANLOS SYNDROME, SEVERE CLASSIC TYPE; Ehlers-Danlos Syndrome, Classic Type, COL5A1-Related; Ehlers-Danlos syndrome, type 1. Identifiers: MedGen C0268335, MONDO:0019567, OMIM 130000.
Cardiovascular phenotype. Identifiers: MedGen CN230736.

Allele frequency attached by ClinVar (database versions not stated): gnomAD exomes 0.00001; ExAC 0.00001; TOPMed 0.00001.

Submissions (4):

Women's Health and Genetics/Laboratory Corporation of America, LabCorp
Classification: Likely benign. Last evaluated: 2026-03-18. Review status: criteria provided, single submitter. Criteria: LabCorp Variant Classification Summary - May 2015. Collection method: clinical testing. Allele origin: germline.

Labcorp Genetics (formerly Invitae), Labcorp
Classification: Likely benign for Osteogenesis imperfecta type I; Ehlers-Danlos syndrome, classic type, 1. Last evaluated: 2026-01-07. Review status: criteria provided, single submitter. Criteria: Invitae Variant Classification Sherloc (09022015). Collection method: clinical testing. Allele origin: germline.

Mayo Clinic Laboratories, Mayo Clinic
Classification: Likely benign. Last evaluated: 2025-09-29. Review status: criteria provided, single submitter. Criteria: ACMG Guidelines, 2015. Collection method: clinical testing. Allele origin: germline. Observed: 1 variant allele.
Comment: BP4, BP7

Ambry Genetics
Classification: Likely benign for Cardiovascular phenotype. Last evaluated: 2019-07-10. Review status: criteria provided, single submitter. Criteria: Ambry Variant Classification Scheme 2023. Collection method: clinical testing. Allele origin: germline.